The following is an entry in ClinVar:

NM_138694.4(PKHD1):c.5874dup (p.Asn1959Ter)

Gene: PKHD1 (PKHD1 ciliary IPT domain containing fibrocystin/polyductin; minus strand). Cytogenetic location: 6p12.2.
Variant type: Duplication.
Coding change: c.5874dup on transcript NM_138694.4 (MANE Select); coding-DNA position 5874, one base duplicated (T; older notation c.5874dupT).
Protein change: p.Asn1959Ter; replaces asparagine 1959 with a stop codon.
Molecular consequence: nonsense.
Genome position (GRCh38, 1-based): chr6:51,959,904, A duplicated on the plus strand (T on the coding strand, the reverse complement: PKHD1 is on the minus strand). VCF-style (leftmost placement, unchanged base first): chr6-51959903-T-TA. GRCh37 (hg19) VCF-style: chr6-51824701-T-TA.
Other names: c.5874dup, p.Asn1959Ter (NM_170724.3); short protein forms N1959*.
Identifiers: ClinVar variation 4816705 (VCV004816705.1).

ClinVar aggregate classification (germline): Likely pathogenic (1 of 4 stars; one submission).

Conditions:
Autosomal recessive polycystic kidney disease (ARPKD). Also called: AR polycystic kidney disease. Identifiers: Orphanet 731, Orphanet 8378, MedGen C0085548, MeSH D017044, MONDO:0009889.

Submission:

Natera, Inc.
Classification: Likely pathogenic for Autosomal recessive polycystic kidney disease. Last evaluated: 2025-12-15. Review status: criteria provided, single submitter. Criteria: Natera Variant Classification Schema (03/2026). Collection method: clinical testing. Allele origin: germline.
Comment: The c.5874dupT variant in PKHD1 is a frameshift variant predicted to shift the reading frame and introduce a stop codon. This variant is expected to result in nonsense mediated decay, truncation, or a dysfunctional protein product. This variant is rare in the general population with a frequency below the threshold expected for the associated phenotype(s). Given the available evidence, this variant is classified as Likely Pathogenic.